The following is an entry in ClinVar:

NM_006017.3(PROM1):c.1027G>A (p.Asp343Asn)

Gene: PROM1 (prominin 1; minus strand). Cytogenetic location: 4p15.32.
Variant type: single nucleotide variant.
Coding change: c.1027G>A on transcript NM_006017.3 (MANE Select); coding-DNA position 1027, G replaced by A.
Protein change: p.Asp343Asn; replaces aspartic acid 343 with asparagine.
Molecular consequence: missense variant.
Genome position (GRCh38, 1-based): chr4:16,016,216, C>T on the plus strand (G>A on the coding strand, the complement: PROM1 is on the minus strand). VCF-style: chr4-16016216-C-T. GRCh37 (hg19) VCF-style: chr4-16017839-C-T.
Other names: c.1000G>A, p.Asp334Asn (NM_001145847.2, NM_001145848.2, NM_001145851.2 and 4 more transcripts); c.1027G>A, p.Asp343Asn (NM_001145849.2, NM_001145850.2); short protein forms D334N, D343N.
Identifiers: ClinVar variation 2090050 (VCV002090050.4), dbSNP rs2530367547, ClinGen allele CA356416753.

ClinVar aggregate classification (germline): Uncertain significance (1 of 4 stars; one submission).

Submission:

Labcorp Genetics (formerly Invitae), Labcorp
Classification: Uncertain significance. Last evaluated: 2022-08-16. Review status: criteria provided, single submitter. Criteria: Invitae Variant Classification Sherloc (09022015). Collection method: clinical testing. Allele origin: germline.
Comment: In summary, the available evidence is currently insufficient to determine the role of this variant in disease. Therefore, it has been classified as a Variant of Uncertain Significance. Algorithms developed to predict the effect of missense changes on protein structure and function output the following: SIFT: "Tolerated"; PolyPhen-2: "Benign"; Align-GVGD: "Class C0". The asparagine amino acid residue is found in multiple mammalian species, which suggests that this missense change does not adversely affect protein function. This variant has not been reported in the literature in individuals affected with PROM1-related conditions. This variant is not present in population databases (gnomAD no frequency). This sequence change replaces aspartic acid, which is acidic and polar, with asparagine, which is neutral and polar, at codon 343 of the PROM1 protein (p.Asp343Asn).